The following is an entry in ClinVar:

NM_000361.3(THBD):c.459G>A (p.Trp153Ter)

Gene: THBD (thrombomodulin; minus strand). Cytogenetic location: 20p11.21.
Variant type: single nucleotide variant.
Coding change: c.459G>A on transcript NM_000361.3 (MANE Select); coding-DNA position 459, G replaced by A.
Protein change: p.Trp153Ter; replaces tryptophan 153 with a stop codon.
Molecular consequence: nonsense.
Genome position (GRCh38, 1-based): chr20:23,049,046, C>T on the plus strand (G>A on the coding strand, the complement: THBD is on the minus strand). VCF-style: chr20-23049046-C-T. GRCh37 (hg19) VCF-style: chr20-23029683-C-T.
Other names: short protein forms W153*.
Identifiers: ClinVar variation 3587134 (VCV003587134.2).

ClinVar aggregate classification (germline): Conflicting classifications of pathogenicity. Review status: criteria provided, conflicting classifications (1 of 4 stars). 2 submissions from 2 submitters: Likely pathogenic (1); Uncertain significance (1). Last evaluated 2025-07-23.

Conditions:
Atypical hemolytic-uremic syndrome with thrombomodulin anomaly. Also called: HEMOLYTIC UREMIC SYNDROME, ATYPICAL, SUSCEPTIBILITY TO, 6; AHUS, SUSCEPTIBILITY TO, 6. Identifiers: MedGen C2752036, MONDO:0013044, OMIM 612926. Disease mechanism: gain of function.
Thrombomodulin-related bleeding disorder (THPH12). Also called: Thrombophilia due to thrombomodulin defect. Identifiers: Orphanet 436169, MedGen C3280976, MONDO:0013775, OMIM 614486.

Submissions (2):

Labcorp Genetics (formerly Invitae), Labcorp
Classification: Uncertain significance. Last evaluated: 2025-07-23. Review status: criteria provided, single submitter. Criteria: Invitae Variant Classification Sherloc (09022015). Collection method: clinical testing. Allele origin: germline.
Comment: This sequence change creates a premature translational stop signal (p.Trp153*) in the THBD gene. While this is not anticipated to result in nonsense mediated decay, it is expected to disrupt the last 423 amino acid(s) of the THBD protein. This variant is not present in population databases (gnomAD no frequency). This variant has not been reported in the literature in individuals affected with THBD-related conditions. ClinVar contains an entry for this variant (Variation ID: 3587134). Experimental studies and prediction algorithms are not available or were not evaluated, and the functional significance of this variant is currently unknown. In summary, the available evidence is currently insufficient to determine the role of this variant in disease. Therefore, it has been classified as a Variant of Uncertain Significance.

Fulgent Genetics
Classification: Likely pathogenic for Atypical hemolytic-uremic syndrome with thrombomodulin anomaly; Thrombomodulin-related bleeding disorder. Last evaluated: 2024-04-26. Review status: criteria provided, single submitter. Criteria: ACMG Guidelines, 2015. Collection method: clinical testing. Allele origin: germline.